The following is an entry in ClinVar:

NM_006545.5(NPRL2):c.949G>A (p.Gly317Arg)

Gene: NPRL2 (NPR2 like, GATOR1 complex subunit; minus strand). Cytogenetic location: 3p21.31.
Variant type: single nucleotide variant.
Coding change: c.949G>A on transcript NM_006545.5 (MANE Select); coding-DNA position 949, G replaced by A.
Protein change: p.Gly317Arg; replaces glycine 317 with arginine.
Molecular consequence: missense variant.
Genome position (GRCh38, 1-based): chr3:50,347,885, C>T on the plus strand (G>A on the coding strand, the complement: NPRL2 is on the minus strand). VCF-style: chr3-50347885-C-T. GRCh37 (hg19) VCF-style: chr3-50385316-C-T.
Other names: short protein forms G317R.
Identifiers: ClinVar variation 4534225 (VCV004534225.8).
Genomic context (GRCh38, chr3:50,347,885, plus strand): 5'-CTTCCCGAGTCACCCGCACAGGATACTTCTGTAGTCGCCTGATGAGGTTCTTCATAAGCC[C>T]GAACTGGATCAGCTTCCTAGGGTGAGGATCAGAGGACGGGGTGACGCCCTGGCCAGGCCT-3'
Protein context (NP_006536.3, residues 307-327): HVDERKLIQF[Gly317Arg]LMKNLIRRLQ

ClinVar aggregate classification (germline): Conflicting classifications of pathogenicity. Review status: criteria provided, conflicting classifications (1 of 4 stars). 3 submissions from 3 submitters: Likely pathogenic (1); Uncertain significance (2). Last evaluated 2026-04-29.

Conditions:
Epilepsy, familial focal, with variable foci 2 (FFEVF2). Identifiers: MedGen C4310709, MONDO:0014924, OMIM 617116.
NPRL2-related disorder. Also called: NPRL2-related condition.

gnomAD v4.1: 1 of 1,614,032 alleles (0.000062%); highest among the groups gnomAD compares: Non-Finnish European, 0.000085%; no homozygotes.

Submissions (3):

Victorian Clinical Genetics Services, Murdoch Childrens Research Institute
Classification: Uncertain significance for Epilepsy, familial focal, with variable foci 2. Last evaluated: 2026-04-29. Review status: criteria provided, single submitter. Criteria: ACMG Guidelines, 2015. Collection method: clinical testing. Allele origin: germline. Affected: yes.
Comment: This variant is classified as VUS-3A. Evidence in support of pathogenic classification: Variant is present in gnomAD <0.001 for a dominant condition (v4: 1 heterozygote(s), 0 homozygote(s)); This variant has limited previous evidence of pathogenicity in unrelated individuals. This variant has been identified in a father and son with seizures (PMID: 31780880), and in an individual with developmental delay and epilepsy (LOVD, personal communication). This variant has also been classified as a VUS by a clinical laboratory in ClinVar; Missense variant predicted to be damaging by in silico tool(s) or highly conserved with a major amino acid change. Additional information: Variant is predicted to result in a missense amino acid change from Gly to Arg; This variant is heterozygous; This gene is associated with autosomal dominant disease; Alternative amino acid change(s) at the same position are present in gnomAD (highest allele count: v4: 1 heterozygote(s), 0 homozygote(s)); No published functional evidence has been identified for this variant; Another missense variant comparable to the one identified in this case has inconclusive previous evidence for pathogenicity. The p.(Gly317Glu) variant has been classified as a VUS by a clinical laboratory in ClinVar; Variant is located in the annotated nitrogen permease regulator 2 domain (DECIPHER); Loss of function is a known mechanism of disease in this gene and is associated with epilepsy, familial focal, with variable foci 2 (MIM#617116); The condition associated with this gene has incomplete penetrance (OMIM; PMID: 27173016).

CeGaT Center for Human Genetics Tuebingen
Classification: Uncertain significance. Last evaluated: 2025-11-01. Review status: criteria provided, single submitter. Criteria: CeGaT Center For Human Genetics Tuebingen Variant Classification Criteria Version 2. Collection method: clinical testing. Allele origin: germline. Affected: yes. Observed: 1 variant allele.
Comment: NPRL2: PM2, PS4:Moderate, PP3

Blueprint Genetics
Classification: Likely pathogenic for NPRL2-related disorders. Last evaluated: 2023-01-12. Review status: criteria provided, single submitter. Criteria: ACMG Guidelines, 2015. Collection method: clinical testing. Allele origin: germline. Affected: yes. Observed: 1 variant allele.

Literature cited by the submitters: PubMed 31780880 (cited by Victorian Clinical Genetics Services, Murdoch Childrens Research Institute); PubMed 27173016 (cited by Victorian Clinical Genetics Services, Murdoch Childrens Research Institute).